The following is an entry in ClinVar:

ClinVar aggregate classification (germline): Uncertain significance (1 of 4 stars; one submission).

gnomAD v4.1: 4 of 1,614,198 alleles (0.00025%); highest among the groups gnomAD compares: Non-Finnish European, 0.00034%; no homozygotes.

Submission:

Labcorp Genetics (formerly Invitae), Labcorp
Classification: Uncertain significance. Last evaluated: 2025-05-08. Review status: criteria provided, single submitter. Criteria: Invitae Variant Classification Sherloc (09022015). Collection method: clinical testing. Allele origin: germline.
Comment: This sequence change replaces methionine, which is neutral and non-polar, with leucine, which is neutral and non-polar, at codon 2422 of the LRP2 protein (p.Met2422Leu). This variant is not present in population databases (gnomAD no frequency). This variant has not been reported in the literature in individuals affected with LRP2-related conditions. Invitae Evidence Modeling of protein sequence and biophysical properties (such as structural, functional, and spatial information, amino acid conservation, physicochemical variation, residue mobility, and thermodynamic stability) indicates that this missense variant is not expected to disrupt LRP2 protein function with a negative predictive value of 95%. In summary, the available evidence is currently insufficient to determine the role of this variant in disease. Therefore, it has been classified as a Variant of Uncertain Significance.

NM_004525.3(LRP2):c.7264A>T (p.Met2422Leu)

Gene: LRP2 (LDL receptor related protein 2; minus strand). Cytogenetic location: 2q31.1.
Variant type: single nucleotide variant.
Coding change: c.7264A>T on transcript NM_004525.3 (MANE Select); coding-DNA position 7264, A replaced by T.
Protein change: p.Met2422Leu; replaces methionine 2422 with leucine.
Molecular consequence: missense variant.
Genome position (GRCh38, 1-based): chr2:169,206,456, T>A on the plus strand (A>T on the coding strand, the complement: LRP2 is on the minus strand). VCF-style: chr2-169206456-T-A. GRCh37 (hg19) VCF-style: chr2-170062966-T-A.
Other names: short protein forms M2422L.
Identifiers: ClinVar variation 4807271 (VCV004807271.1).